The following is an entry in ClinVar:

NM_001384474.1(LOXHD1):c.3137T>C (p.Ile1046Thr)

Gene: LOXHD1 (lipoxygenase homology PLAT domains 1; minus strand). Cytogenetic location: 18q21.1.
Variant type: single nucleotide variant.
Coding change: c.3137T>C on transcript NM_001384474.1 (MANE Select); coding-DNA position 3137, T replaced by C.
Protein change: p.Ile1046Thr; replaces isoleucine 1046 with threonine.
Molecular consequence: missense variant.
Genome position (GRCh38, 1-based): chr18:46,559,527, A>G on the plus strand (T>C on the coding strand, the complement: LOXHD1 is on the minus strand). VCF-style: chr18-46559527-A-G. GRCh37 (hg19) VCF-style: chr18-44139490-A-G.
Other names: c.3137T>C, p.Ile1046Thr (NM_144612.7); c.3137T>C (NM_144612.6); short protein forms I1046T.
Identifiers: ClinVar variation 2069473 (VCV002069473.2), dbSNP rs766288112, ClinGen allele CA8952556.

ClinVar aggregate classification (germline): Uncertain significance. Review status: criteria provided, multiple submitters, no conflicts (2 of 4 stars). 2 submissions from 2 submitters: Uncertain significance (2). Last evaluated 2024-09-18.

Allele frequency attached by ClinVar (database versions not stated): gnomAD 0.00003; TOPMed 0.00003; gnomAD exomes 0.00009; ExAC 0.00087.
gnomAD v4.1: 123 of 1,551,916 alleles (0.0079%); highest among the groups gnomAD compares: South Asian, 0.13%; no homozygotes.

Submissions (2):

GeneDx
Classification: Uncertain significance. Last evaluated: 2024-09-18. Review status: criteria provided, single submitter. Criteria: GeneDx Variant Classification Process June 2021. Collection method: clinical testing. Allele origin: germline. Affected: yes.
Comment: In silico analysis supports that this missense variant has a deleterious effect on protein structure/function; Has not been previously published as pathogenic or benign to our knowledge

Labcorp Genetics (formerly Invitae), Labcorp
Classification: Uncertain significance. Last evaluated: 2021-09-24. Review status: criteria provided, single submitter. Criteria: Invitae Variant Classification Sherloc (09022015). Collection method: clinical testing. Allele origin: germline.
Comment: This sequence change replaces isoleucine with threonine at codon 1046 of the LOXHD1 protein (p.Ile1046Thr). The isoleucine residue is weakly conserved and there is a moderate physicochemical difference between isoleucine and threonine. This variant is present in population databases (rs766288112, ExAC 0.2%). This variant has not been reported in the literature in individuals with LOXHD1-related disease. Algorithms developed to predict the effect of missense changes on protein structure and function do not agree on the potential impact of this missense change (SIFT: "Deleterious"; PolyPhen-2: "Probably Damaging"; Align-GVGD: "Class C0"). In summary, the available evidence is currently insufficient to determine the role of this variant in disease. Therefore, it has been classified as a Variant of Uncertain Significance.